The following continues an entry in ClinVar:

NM_000059.4(BRCA2):c.6322C>T (p.Arg2108Cys)

Gene: BRCA2. ClinVar aggregate classification (germline): Benign. Benign (1).

Submissions 20 to 32 of 32:

Ambry Genetics
Classification: Benign for Hereditary cancer-predisposing syndrome. Last evaluated: 2014-11-19. Review status: criteria provided, single submitter. Criteria: Ambry Variant Classification Scheme 2023. Collection method: clinical testing. Allele origin: germline. Not counted in ClinVar's aggregate classification.

BRCAlab, Lund University
Classification: Benign for Breast-ovarian cancer, familial, susceptibility to, 2. Last evaluated: 2020-03-02. Review status: no assertion criteria provided. Collection method: clinical testing. Allele origin: germline. Affected: yes. Not counted in ClinVar's aggregate classification.

Mayo Clinic Laboratories, Mayo Clinic
Classification: Likely benign. Last evaluated: 2017-04-21. Review status: no assertion criteria provided. Collection method: clinical testing. Allele origin: unknown. Not counted in ClinVar's aggregate classification.

Counsyl
Classification: Likely benign for Breast-ovarian cancer, familial 2. Last evaluated: 2014-11-16. Review status: no assertion criteria provided. Collection method: literature only. Allele origin: unknown. Inheritance: Autosomal dominant inheritance. Not counted in ClinVar's aggregate classification.

Research Molecular Genetics Laboratory, Women's College Hospital, University of Toronto
Classification: Benign. Last evaluated: 2014-01-31. Review status: no assertion criteria provided. Collection method: research. Allele origin: germline. Affected: yes. Study: The Canadian Open Genetics Repository (COGR). Not counted in ClinVar's aggregate classification.

ITMI
No classification provided. Condition: AllHighlyPenetrant. Last evaluated: 2013-09-19. Review status: no classification provided. Collection method: reference population. Allele origin: germline. Not counted in ClinVar's aggregate classification.
Comment: Please see associated publication for description of ethnicities

Foulkes Cancer Genetics LDI, Lady Davis Institute for Medical Research
Classification: Uncertain significance for Breast and/or ovarian cancer. Last evaluated: 2013-03-15. Review status: no assertion criteria provided. Collection method: clinical testing. Allele origin: germline. Study: The Canadian Open Genetics Repository (COGR). Not counted in ClinVar's aggregate classification.

Biesecker Lab/Clinical Genomics Section, National Institutes of Health
Classification: Uncertain significance. Last evaluated: 2012-07-13. Review status: no assertion criteria provided. Collection method: research. Allele origin: germline. Affected: no. Observed: 1 variant allele. Study: ClinSeq. Not counted in ClinVar's aggregate classification.
ClinVar note: Converted during submission from variant of unknown significance to Uncertain significance.

Breast Cancer Information Core (BIC) (BRCA2)
Classification: Uncertain significance for Breast-ovarian cancer, familial 2. Last evaluated: 2002-05-29. Review status: no assertion criteria provided. Collection method: clinical testing. Allele origin: germline. Affected: yes. Observed: 22 variant alleles. Not counted in ClinVar's aggregate classification.

Center for Precision Medicine, Meizhou People's Hospital
Classification: Likely benign for Familial cancer of breast. Review status: no assertion criteria provided. Collection method: literature only. Allele origin: germline. Affected: yes. Not counted in ClinVar's aggregate classification.

Clinical Genetics Laboratory, Department of Pathology, Netherlands Cancer Institute
Classification: Likely benign. Review status: no assertion criteria provided. Collection method: clinical testing. Allele origin: germline. Affected: yes. Study: VKGL Data-share Consensus. Not counted in ClinVar's aggregate classification.

Department of Pathology and Laboratory Medicine, Sinai Health System
Classification: Benign. Review status: no assertion criteria provided. Collection method: clinical testing. Allele origin: unknown. Affected: yes. Study: The Canadian Open Genetics Repository (COGR). Not counted in ClinVar's aggregate classification.
Comment: The p.Arg2108Cys variant has been reported in the literature in 13/16,018 proband chromosomes from individuals with hereditary breast and/or ovarian cancer, although no control chromosomes were tested to establish the variant's frequency in the general population (Balia 2011, Capanu 2011, Purnomosari 2007, Borg 2010, Thirthagiri 2008, Jalkh 2012). There is conflicting evidence in the literature regarding its pathogenicity. It has been identified in the BIC database (x22) with unknown clinical importance, and in the LOVD and UMD databases (x5). The variant was identified in an individual who also had a pathogenic BRCA2 mutation c.5835_5842dup (p.Cys1948TyrfsX18) (UMD), and this finding increases the likelihood that the p.Arg2108Cys variant does not have clinical significance (notably compound heterozygous variants in the BRCA2 gene are expected to cause fanconi anemia but the phenotype was not provided in this case). In a functional assay that evaluated the effect of the transient overexpression of the p.Arg2108Cys variant on spontaneous homologous recombination (HR) in a HeLa cell line, the variant increased HR as much as a pathogenic variant G2748D, which led the authors to classify it as possibly pathogenic (Balia 2011), but the relevance of these findings in a cell model to the in-vivo organism remains questionable. It is listed in dbSNP database (ID#:rs55794205) as coming from a "clinical source" with a global minor allele frequency (MAF) of 0.002/5. Another variant at this position (p.Arg2108His) has been observed 126 times in the BIC database with unknown clinical significance, but this relatively high frequency may suggest that the variant is a common benign variant. In addition, this p.Arg2108 residue is not conserved in mammals and the variant amino acid Cys (Cysteine) is present in monkey, mouse, rat, cat and dog, increasing the likelihood that a change to this amino acid does not have functional significance. Computational analyses (PolyPhen2, SIFT, AlignGVGD) do not suggest a high likelihood of impact to the protein. However, this information is not very predictive of pathogenicity. Myriad genetics reports this variant as a polymorphism (personal communication). In summary, based on the above information. This variant meets our lab's criteria to be classified as benign.

Joint Genome Diagnostic Labs from Nijmegen and Maastricht, Radboudumc and MUMC+
Classification: Likely benign. Review status: no assertion criteria provided. Collection method: clinical testing. Allele origin: germline. Affected: yes. Study: VKGL Data-share Consensus. Not counted in ClinVar's aggregate classification.

Literature cited by the submitters: PubMed 31131967 (cited by Evidence-based Network for the Interpretation of Germline Mutant Alleles (ENIGMA)); PubMed 20104584 (cited by Women's Health and Genetics/Laboratory Corporation of America, LabCorp); PubMed 22713736 (cited by 3 submitters); PubMed 21520273 (cited by Women's Health and Genetics/Laboratory Corporation of America, LabCorp and Counsyl); PubMed 18284688 (cited by Women's Health and Genetics/Laboratory Corporation of America, LabCorp); PubMed 23469205 (cited by Women's Health and Genetics/Laboratory Corporation of America, LabCorp and Counsyl); PubMed 24323938 (cited by Women's Health and Genetics/Laboratory Corporation of America, LabCorp); PubMed 22874498 (cited by Women's Health and Genetics/Laboratory Corporation of America, LabCorp); PubMed 18627636 (cited by Women's Health and Genetics/Laboratory Corporation of America, LabCorp and Counsyl); PubMed 21218378 (cited by Women's Health and Genetics/Laboratory Corporation of America, LabCorp); PubMed 23555315 (cited by Women's Health and Genetics/Laboratory Corporation of America, LabCorp); PubMed 24728327 (cited by 4 submitters); PubMed 15172753 (cited by Women's Health and Genetics/Laboratory Corporation of America, LabCorp and Counsyl); PubMed 21671020 (cited by 3 submitters); PubMed 23328489 (cited by Women's Health and Genetics/Laboratory Corporation of America, LabCorp); PubMed 24489791 (cited by Women's Health and Genetics/Laboratory Corporation of America, LabCorp and Counsyl); PubMed 17972177 (cited by Women's Health and Genetics/Laboratory Corporation of America, LabCorp); PubMed 25782689 (cited by Women's Health and Genetics/Laboratory Corporation of America, LabCorp); PubMed 28477318 (cited by Center for Precision Medicine, Meizhou People's Hospital).